The following is an entry in ClinVar:

ClinVar aggregate classification (germline): Conflicting classifications of pathogenicity. Review status: criteria provided, conflicting classifications (1 of 4 stars). 3 submissions from 3 submitters: Uncertain significance (2); Likely benign (1). Last evaluated 2025-09-13.

Conditions:
ABCC6-related disorder. Also called: ABCC6-related condition.

Allele frequency attached by ClinVar (database versions not stated): TOPMed 0.00001; ExAC 0.00002; gnomAD exomes 0.00002; gnomAD 0.00003; 1000 Genomes Project 30x 0.00016; 1000 Genomes Project 0.00020.
gnomAD v4.1: 48 of 1,614,070 alleles (0.003%); highest among the groups gnomAD compares: South Asian, 0.0033%; no homozygotes.

Submissions (3):

PreventionGenetics, part of Exact Sciences
Classification: Uncertain significance for ABCC6-related condition. Last evaluated: 2025-09-13. Review status: criteria provided, single submitter. Criteria: ACMG Guidelines, 2015. Collection method: clinical testing. Allele origin: germline.
Comment: The ABCC6 c.1675G>A variant is predicted to result in the amino acid substitution p.Glu559Lys. To our knowledge, this variant has not been reported in the literature. This variant is reported in 0.0065% of alleles in individuals of South Asian descent in gnomAD. At this time, the clinical significance of this variant is uncertain due to the absence of conclusive functional and genetic evidence.

Labcorp Genetics (formerly Invitae), Labcorp
Classification: Uncertain significance. Last evaluated: 2022-10-17. Review status: criteria provided, single submitter. Criteria: Invitae Variant Classification Sherloc (09022015). Collection method: clinical testing. Allele origin: germline.
Comment: This sequence change replaces glutamic acid, which is acidic and polar, with lysine, which is basic and polar, at codon 559 of the ABCC6 protein (p.Glu559Lys). This variant is present in population databases (rs114149656, gnomAD 0.006%). This variant has not been reported in the literature in individuals affected with ABCC6-related conditions. ClinVar contains an entry for this variant (Variation ID: 1463317). Advanced modeling of protein sequence and biophysical properties (such as structural, functional, and spatial information, amino acid conservation, physicochemical variation, residue mobility, and thermodynamic stability) performed at Invitae indicates that this missense variant is not expected to disrupt ABCC6 protein function. In summary, the available evidence is currently insufficient to determine the role of this variant in disease. Therefore, it has been classified as a Variant of Uncertain Significance.

Blueprint Genetics
Classification: Likely benign. Last evaluated: 2019-10-12. Review status: criteria provided, single submitter. Criteria: ACMG Guidelines, 2015. Collection method: clinical testing. Allele origin: germline.

NM_001171.6(ABCC6):c.1675G>A (p.Glu559Lys)

Gene: ABCC6 (ATP binding cassette subfamily C member 6; minus strand). Cytogenetic location: 16p13.11.
Variant type: single nucleotide variant.
Coding change: c.1675G>A on transcript NM_001171.6 (MANE Select); coding-DNA position 1675, G replaced by A.
Protein change: p.Glu559Lys; replaces glutamic acid 559 with lysine.
Molecular consequence: missense variant. On other transcripts: non-coding transcript variant (1).
Genome position (GRCh38, 1-based): chr16:16,188,935, C>T on the plus strand (G>A on the coding strand, the complement: ABCC6 is on the minus strand). VCF-style: chr16-16188935-C-T. GRCh37 (hg19) VCF-style: chr16-16282792-C-T.
Other names: c.1333G>A, p.Glu445Lys (NM_001351800.1); c.1675G>A (NM_001171.5); short protein forms E559K, E445K.
Identifiers: ClinVar variation 1463317 (VCV001463317.7), dbSNP rs114149656, ClinGen allele CA7926202.